The following is an entry in ClinVar:

NM_130849.4(SLC39A4):c.853C>T (p.Gln285Ter)

Gene: SLC39A4 (solute carrier family 39 member 4; minus strand). Cytogenetic location: 8q24.3.
Variant type: single nucleotide variant.
Coding change: c.853C>T on transcript NM_130849.4 (MANE Select); coding-DNA position 853, C replaced by T.
Protein change: p.Gln285Ter; replaces glutamine 285 with a stop codon.
Molecular consequence: nonsense.
Genome position (GRCh38, 1-based): chr8:144,414,848, G>A on the plus strand (C>T on the coding strand, the complement: SLC39A4 is on the minus strand). VCF-style: chr8-144414848-G-A. GRCh37 (hg19) VCF-style: chr8-145640232-G-A.
Other names: c.571C>T, p.Gln191Ter (NM_001374839.1); c.778C>T, p.Gln260Ter (NM_017767.3); short protein forms Q191*, Q260*, Q285*.
Identifiers: ClinVar variation 1076820 (VCV001076820.5), dbSNP rs2130799191, ClinGen allele CA372622031.
Genomic context (GRCh38, chr8:144,414,848, plus strand): 5'-GCTGCTGTTGGAGCAGGGCAGGGCTCAGTTGGGCCCAGGCCTCCGGGGTCACCCCAGCCT[G>A]TTCCGACAGTCCATATGCAGCCATCACGTCCCTGGCACTCAGGCATACCTGGGGGGTGGC-3'

ClinVar aggregate classification (germline): Pathogenic (1 of 4 stars; one submission).

Submission:

Labcorp Genetics (formerly Invitae), Labcorp
Classification: Pathogenic. Last evaluated: 2020-11-12. Review status: criteria provided, single submitter. Criteria: Invitae Variant Classification Sherloc (09022015). Collection method: clinical testing. Allele origin: germline.
Comment: For these reasons, this variant has been classified as Pathogenic. This variant has not been reported in the literature in individuals with SLC39A4-related conditions. This variant is not present in population databases (ExAC no frequency). This sequence change creates a premature translational stop signal (p.Gln285*) in the SLC39A4 gene. It is expected to result in an absent or disrupted protein product. Loss-of-function variants in SLC39A4 are known to be pathogenic (PMID: 12955721).

Literature cited by the submitters: PubMed 12955721.